The following is an entry in ClinVar:

ClinVar aggregate classification (germline): Benign (3 of 4 stars; one submission).

Conditions:
Breast-ovarian cancer, familial, susceptibility to, 1 (BROVCA1). Also called: OVARIAN CANCER, SUSCEPTIBILITY TO; BRCA1 Hereditary Breast and Ovarian Cancer. Identifiers: Orphanet 145, MedGen C2676676, MONDO:0011450, OMIM 604370. Disease mechanism: loss of function.

Allele frequency attached by ClinVar (database versions not stated): gnomAD 0.00819 and 0.00887; 1000 Genomes Project 0.00958; TOPMed 0.00961; 1000 Genomes Project 30x 0.01031.

Submission:

Evidence-based Network for the Interpretation of Germline Mutant Alleles (ENIGMA)
Classification: Benign for Breast-ovarian cancer, familial 1. Last evaluated: 2015-01-12. Review status: reviewed by expert panel. Criteria: ENIGMA BRCA1/2 Classification Criteria (2015). Collection method: curation. Allele origin: germline.
Comment: Class 1 not pathogenic based on frequency >1% in an outbred sampleset. Frequency 0.06 (African), derived from 1000 genomes (2012-04-30).

NM_007294.3(BRCA1):c.*4056C>A

Gene: BRCA1 (BRCA1 DNA repair associated; minus strand). Cytogenetic location: 17q21.31.
Variant type: single nucleotide variant.
Coding change: c.*4056C>A on transcript NM_007294.3; 4056 bases downstream of the stop codon, C replaced by A.
Genome position (GRCh38, 1-based): chr17:43,041,622, G>T on the plus strand (C>A on the coding strand, the complement: BRCA1 is on the minus strand). VCF-style: chr17-43041622-G-T. GRCh37 (hg19) VCF-style: chr17-41193639-G-T.
Other names: 9767 C>A.
Identifiers: ClinVar variation 209225 (VCV000209225.3), dbSNP rs78612526, ClinGen allele CA276201.